The following is an entry in ClinVar:

NM_001365088.1(SLC12A6):c.1850G>C (p.Gly617Ala)

Gene: SLC12A6 (solute carrier family 12 member 6; minus strand). Cytogenetic location: 15q14.
Variant type: single nucleotide variant.
Coding change: c.1850G>C on transcript NM_001365088.1 (MANE Select); coding-DNA position 1850, G replaced by C.
Protein change: p.Gly617Ala; replaces glycine 617 with alanine.
Molecular consequence: missense variant.
Genome position (GRCh38, 1-based): chr15:34,245,378, C>G on the plus strand (G>C on the coding strand, the complement: SLC12A6 is on the minus strand). VCF-style: chr15-34245378-C-G. GRCh37 (hg19) VCF-style: chr15-34537579-C-G.
Other names: c.1673G>C, p.Gly558Ala (NM_001042494.2, NM_001042495.2); c.1823G>C, p.Gly608Ala (NM_001042496.2); c.1805G>C, p.Gly602Ala (NM_001042497.2); c.1697G>C, p.Gly566Ala (NM_005135.2); c.1850G>C, p.Gly617Ala (NM_133647.2); short protein forms G566A, G602A, G558A, G608A, G617A.
Identifiers: ClinVar variation 4744035 (VCV004744035.2).

ClinVar aggregate classification (germline): Uncertain significance. Review status: criteria provided, multiple submitters, no conflicts (2 of 4 stars). 2 submissions from 2 submitters: Uncertain significance (2). Last evaluated 2025-08-14.

Submissions (2):

GeneDx
Classification: Uncertain significance. Last evaluated: 2025-08-14. Review status: criteria provided, single submitter. Criteria: GeneDx Variant Classification Process June 2021. Collection method: clinical testing. Allele origin: germline. Affected: yes.
Comment: Not observed at significant frequency in large population cohorts (gnomAD); In silico analysis supports that this missense variant has a deleterious effect on protein structure/function; Has not been previously published as pathogenic or benign to our knowledge

Labcorp Genetics (formerly Invitae), Labcorp
Classification: Uncertain significance. Last evaluated: 2025-04-02. Review status: criteria provided, single submitter. Criteria: Invitae Variant Classification Sherloc (09022015). Collection method: clinical testing. Allele origin: germline.
Comment: This sequence change replaces glycine, which is neutral and non-polar, with alanine, which is neutral and non-polar, at codon 617 of the SLC12A6 protein (p.Gly617Ala). This variant is not present in population databases (gnomAD no frequency). This variant has not been reported in the literature in individuals affected with SLC12A6-related conditions. Invitae Evidence Modeling of protein sequence and biophysical properties (such as structural, functional, and spatial information, amino acid conservation, physicochemical variation, residue mobility, and thermodynamic stability) indicates that this missense variant is expected to disrupt SLC12A6 protein function with a positive predictive value of 80%. In summary, the available evidence is currently insufficient to determine the role of this variant in disease. Therefore, it has been classified as a Variant of Uncertain Significance.